The following is an entry in ClinVar:

NM_020822.3(KCNT1):c.2321C>T (p.Ala774Val)

Gene: KCNT1 (potassium sodium-activated channel subfamily T member 1; plus strand). Cytogenetic location: 9q34.3.
Variant type: single nucleotide variant.
Coding change: c.2321C>T on transcript NM_020822.3 (MANE Select); coding-DNA position 2321, C replaced by T.
Protein change: p.Ala774Val; replaces alanine 774 with valine.
Molecular consequence: missense variant.
Genome position (GRCh38, 1-based): chr9:135,775,387, C>T. VCF-style: chr9-135775387-C-T. GRCh37 (hg19) VCF-style: chr9-138667233-C-T.
Other names: c.2186C>T, p.Ala729Val (NM_001272003.2); short protein forms A774V, A729V.
Identifiers: ClinVar variation 412314 (VCV000412314.17), dbSNP rs777479133, ClinGen allele CA5327257.

ClinVar aggregate classification (germline): Conflicting classifications of pathogenicity. Review status: criteria provided, conflicting classifications (1 of 4 stars). 3 submissions from 3 submitters: Uncertain significance (2); Likely benign (1). Last evaluated 2026-09-01.

Conditions:
Developmental and epileptic encephalopathy, 14 (DEE14). Also called: Early infantile epileptic encephalopathy 14. Identifiers: Orphanet 293181, MedGen C3554195, MONDO:0013989, OMIM 614959.
Autosomal dominant nocturnal frontal lobe epilepsy 5. Also called: Epilepsy, nocturnal frontal lobe, 5; KCNT1-Related Epilepsy; CILIARY DYSKINESIA, PRIMARY, 28, WITHOUT SITUS INVERSUS; CILIARY DYSKINESIA, PRIMARY, 28, WITH SITUS INVERSUS. Identifiers: Orphanet 98784, MedGen C3554306, MONDO:0014002, OMIM 615005.
Inborn genetic diseases. Identifiers: MedGen C0950123, MeSH D030342.

Allele frequency attached by ClinVar (database versions not stated): gnomAD 0.00002; TOPMed 0.00003; ExAC 0.00010.
gnomAD v4.1: 41 of 1,611,112 alleles (0.0025%); highest among the groups gnomAD compares: Admixed American, 0.045%; no homozygotes.

Submissions (3):

CeGaT Center for Human Genetics Tuebingen
Classification: Uncertain significance. Last evaluated: 2026-09-01. Review status: criteria provided, single submitter. Criteria: CeGaT Center For Human Genetics Tuebingen Variant Classification Criteria Version 2. Collection method: clinical testing. Allele origin: germline. Affected: yes. Observed: 1 variant allele.
Comment: KCNT1: PM2

Labcorp Genetics (formerly Invitae), Labcorp
Classification: Likely benign for Autosomal dominant nocturnal frontal lobe epilepsy 5; Developmental and epileptic encephalopathy, 14. Last evaluated: 2025-10-14. Review status: criteria provided, single submitter. Criteria: Invitae Variant Classification Sherloc (09022015). Collection method: clinical testing. Allele origin: germline.

Ambry Genetics
Classification: Uncertain significance for Inborn genetic diseases. Last evaluated: 2016-07-06. Review status: criteria provided, single submitter. Criteria: Ambry Variant Classification Scheme 2023. Collection method: clinical testing. Allele origin: germline.
Comment: The p.A774V variant (also known as c.2321C>T), located in coding exon 20 of the KCNT1 gene, results from a C to T substitution at nucleotide position 2321. The alanine at codon 774 is replaced by valine, an amino acid with similar properties. This variant was not reported in population based cohorts in the following databases: Database of Single Nucleotide Polymorphisms (dbSNP), NHLBI Exome Sequencing Project (ESP), and 1000 Genomes Project. In the ESP, this variant was not observed in 6503 samples (13006 alleles) with coverage at this position. This amino acid position is highly conserved in available vertebrate species. In addition, this alteration is predicted to be tolerated by in silico analysis. Since supporting evidence is limited at this time, the clinical significance of this alteration remains unclear.